The following is an entry in ClinVar:

NM_002473.6(MYH9):c.4198C>T (p.Arg1400Trp)

Gene: MYH9 (myosin heavy chain 9; minus strand). Cytogenetic location: 22q12.3.
Variant type: single nucleotide variant.
Coding change: c.4198C>T on transcript NM_002473.6 (MANE Select); coding-DNA position 4198, C replaced by T.
Protein change: p.Arg1400Trp; replaces arginine 1400 with tryptophan.
Molecular consequence: missense variant.
Genome position (GRCh38, 1-based): chr22:36,292,132, G>A on the plus strand (C>T on the coding strand, the complement: MYH9 is on the minus strand). VCF-style: chr22-36292132-G-A. GRCh37 (hg19) VCF-style: chr22-36688178-G-A.
Other names: c.4198C>T (NM_002473.5); short protein forms R1400W.
Identifiers: ClinVar variation 44562 (VCV000044562.58), dbSNP rs76368635, ClinGen allele CA134534.

ClinVar aggregate classification (germline): Benign/Likely benign. Review status: criteria provided, multiple submitters, no conflicts (2 of 4 stars). 15 submissions from 14 submitters: Benign (2); Likely benign (12). 1 of the submissions does not count toward it. Last evaluated 2026-09-01.

Conditions:
MYH9-related disorder. Identifiers: MedGen C1854520.
Meniere disease. Also called: Ménière's disease. Identifiers: MedGen C0025281, MONDO:0007972, OMIM 156000.
Autosomal dominant nonsyndromic hearing loss 17. Also called: Autosomal dominant nonsyndromic deafness 17; Deafness, autosomal dominant 17. Identifiers: Orphanet 90635, MedGen C1863659, MONDO:0011350, OMIM 603622.
Macrothrombocytopenia and granulocyte inclusions with or without nephritis or sensorineural hearing loss (MATINS). Also called: SEBASTIAN PLATELET SYNDROME; MACROTHROMBOCYTOPENIA WITH DISPERSED LEUKOCYTIC INCLUSIONS; MACROTHROMBOCYTOPENIA, NEPHRITIS, AND DEAFNESS; MACROTHROMBOCYTOPENIA, NEPHRITIS, DEAFNESS, AND LEUKOCYTE INCLUSIONS; ALPORT SYNDROME WITH MACROTHROMBOCYTOPENIA; MYH9-Related Disease (MYH9-RD). Identifiers: Orphanet 182050, MedGen C5200934, MONDO:0015912, OMIM 155100.

Allele frequency attached by ClinVar (database versions not stated): 1000 Genomes Project 30x 0.00078; ExAC 0.00096; gnomAD 0.00117 and 0.00123; ESP Exome Variant Server 0.00169; TOPMed 0.00133; gnomAD exomes 0.00194 and 0.00100; 1000 Genomes Project 0.00060.
gnomAD v4.1: 3,002 of 1,614,124 alleles (0.19%); highest among the groups gnomAD compares: Non-Finnish European, 0.24%; 7 homozygotes.

Submissions (15):

CeGaT Center for Human Genetics Tuebingen
Classification: Likely benign. Last evaluated: 2026-09-01. Review status: criteria provided, single submitter. Criteria: CeGaT Center For Human Genetics Tuebingen Variant Classification Criteria Version 2. Collection method: clinical testing. Allele origin: germline. Affected: yes. Observed: 7 variant alleles.
Comment: MYH9: BS1

Labcorp Genetics (formerly Invitae), Labcorp
Classification: Likely benign. Last evaluated: 2026-02-03. Review status: criteria provided, single submitter. Criteria: Invitae Variant Classification Sherloc (09022015). Collection method: clinical testing. Allele origin: germline.

Mayo Clinic Laboratories, Mayo Clinic
Classification: Likely benign. Last evaluated: 2025-08-08. Review status: criteria provided, single submitter. Criteria: ACMG Guidelines, 2015. Collection method: clinical testing. Allele origin: germline. Observed: 4 variant alleles.
Comment: BS1, BS2, BP5, PP2, PP3

ARUP Laboratories, Molecular Genetics and Genomics, ARUP Laboratories
Classification: Likely benign. Last evaluated: 2025-06-02. Review status: criteria provided, single submitter. Criteria: ARUP Molecular Germline Variant Investigation Process 2024. Collection method: clinical testing. Allele origin: germline.

PreventionGenetics, part of Exact Sciences
Classification: Likely benign for MYH9-related condition. Last evaluated: 2024-11-12. Review status: criteria provided, single submitter. Criteria: ACMG Guidelines, 2015. Collection method: clinical testing. Allele origin: germline.
Comment: This variant is classified as likely benign based on ACMG/AMP sequence variant interpretation guidelines (Richards et al. 2015 PMID: 25741868, with internal and published modifications).

Blueprint Genetics
Classification: Likely benign. Last evaluated: 2024-11-07. Review status: criteria provided, single submitter. Criteria: ACMG Guidelines, 2015. Collection method: clinical testing. Allele origin: germline.

GeneDx
Classification: Likely benign. Last evaluated: 2021-02-15. Review status: criteria provided, single submitter. Criteria: GeneDx Variant Classification Process June 2021. Collection method: clinical testing. Allele origin: germline. Affected: yes.
Comment: This variant is associated with the following publications: (PMID: 30720677, 11752022, 22123909, 30245029, 22477015, 27577878, 26764160, 24448499, 22995991, 20981092)

Athena Diagnostics
Classification: Benign. Last evaluated: 2019-06-05. Review status: criteria provided, single submitter. Criteria: Athena Diagnostics Criteria. Collection method: clinical testing. Allele origin: germline.

Mendelics
Classification: Likely benign for Macrothrombocytopenia and granulocyte inclusions with or without nephritis or sensorineural hearing loss. Last evaluated: 2019-05-28. Review status: criteria provided, single submitter. Criteria: Mendelics Assertion Criteria 2017. Collection method: clinical testing. Allele origin: unknown.

Illumina Laboratory Services, Illumina
Classification: Likely benign for MYH9-related disorder. Last evaluated: 2017-04-27. Review status: criteria provided, single submitter. Criteria: ICSL Variant Classification Criteria 13 December 2019. Collection method: clinical testing. Allele origin: germline.
Comment: This variant was observed as part of a predisposition screen in an ostensibly healthy population. A literature search was performed for the gene, cDNA change, and amino acid change (where applicable). No publications were found based on this search. Allele frequency data from public databases allowed determination this variant is unlikely to cause disease. Therefore, this variant is classified as likely benign.

Illumina Laboratory Services, Illumina
Classification: Likely benign for Autosomal dominant nonsyndromic hearing loss 17. Last evaluated: 2017-04-27. Review status: criteria provided, single submitter. Criteria: ICSL Variant Classification Criteria 13 December 2019. Collection method: clinical testing. Allele origin: germline.
Comment: the same text as in the submission from Illumina Laboratory Services, Illumina above.

Eurofins Ntd Llc (ga)
Classification: Likely benign. Last evaluated: 2016-04-12. Review status: criteria provided, single submitter. Criteria: EGL Classification Definitions 2015. Collection method: clinical testing. Allele origin: germline. Observed: 1 variant allele, 1 heterozygote.

Laboratory for Molecular Medicine, Mass General Brigham Personalized Medicine
Classification: Benign. Last evaluated: 2013-03-04. Review status: criteria provided, single submitter. Criteria: LMM Criteria. Collection method: clinical testing. Allele origin: germline. Observed: 4 variant alleles.
Comment: Arg1400Trp in exon 31 of MYH9: This variant is not expected to have clinical sig nificance because it has been identified in 7/122 (5.7%) control chromosomes (Be rg 2013) and has been seen in 0.2% (19/6980) of European American chromosomes by the NHLBI Exome Sequencing Project (dbSNP rs7 6368635). It has been reported in the literature in individuals with macrothromb ocytopenia with or without renal impairment (Arrondel 2001, Jang 2012, Sanborn 2 011), however lack of clear segregation with disease and limited control informa tion in these studies do not support a strong association between this variant and macrothrombocytopenia. In summary, the frequency of this variant in the gene ral population supports a benign role.

Breakthrough Genomics
Classification: Likely benign. Review status: criteria provided, single submitter. Criteria: ACMG Guidelines, 2015. Collection method: not provided. Allele origin: germline. Inheritance: Autosomal dominant inheritance. Affected: yes.

Center for Computational Biology & Bioinformatics, University of California, San Diego
Classification: Uncertain significance for Meniere disease. Last evaluated: 2024-06-03. Review status: no assertion criteria provided. Collection method: research. Allele origin: germline. Affected: yes. Not counted in ClinVar's aggregate classification.

Literature cited by the submitters: PubMed 11752022 (cited by 4 submitters); PubMed 22123909 (cited by 4 submitters); PubMed 28059092 (cited by Mayo Clinic Laboratories, Mayo Clinic and Athena Diagnostics); PubMed 29090586 (cited by Athena Diagnostics); PubMed 24643058 (cited by Athena Diagnostics); PubMed 30720677 (cited by Athena Diagnostics); PubMed 18676005 (cited by Athena Diagnostics); PubMed 22477015 (cited by Eurofins Ntd Llc (ga) and Laboratory for Molecular Medicine, Mass General Brigham Personalized Medicine); PubMed 22995991 (cited by Eurofins Ntd Llc (ga) and Laboratory for Molecular Medicine, Mass General Brigham Personalized Medicine).